The following is an entry in ClinVar:

NM_002025.4(AFF2):c.2756_2758delinsAA (p.Pro919fs)

Gene: AFF2 (ALF transcription elongation factor 2; plus strand). Cytogenetic location: Xq28.
Variant type: Indel.
Coding change: c.2756_2758delinsAA on transcript NM_002025.4 (MANE Select); coding-DNA positions 2756 to 2758, CAC replaced by AA.
Protein change: p.Pro919fs; shifts the reading frame from proline 919.
Molecular consequence: frameshift variant.
Genome position (GRCh38, 1-based): chrX:148,962,780-148,962,782, CAC replaced by AA. VCF-style: chrX-148962780-CAC-AA. GRCh37 (hg19) VCF-style: chrX-148044310-CAC-AA.
Other names: c.2657_2659delinsAA, p.Pro886fs (NM_001169122.2); c.2726_2728delinsAA, p.Pro909fs (NM_001169123.2); c.2651_2653delinsAA, p.Pro884fs (NM_001169124.2); c.2639_2641delinsAA, p.Pro880fs (NM_001169125.2); c.1679_1681delinsAA, p.Pro560fs (NM_001170628.1); short protein forms P560fs, P880fs, P884fs, P886fs, P909fs, P919fs.
Identifiers: ClinVar variation 5015763 (VCV005015763.1).

ClinVar aggregate classification (germline): Pathogenic (1 of 4 stars; one submission).

Conditions:
FRAXE. Also called: Fragile XE syndrome; FRAXE Syndrome; FRAXE intellectual disability; Intellectual developmental disorder, X-linked 109; Intellectual disability, X-linked, FRAXE type. Identifiers: Orphanet 100973, MedGen C0751157, MONDO:0010659, OMIM 309548. Disease mechanism: loss of function.

Submission:

Myriad Genetics, Inc.
Classification: Pathogenic for FRAXE. Last evaluated: 2026-04-04. Review status: criteria provided, single submitter. Criteria: Myriad Autosomal Dominant, Autosomal Recessive and X-Linked Classification Criteria (2023). Collection method: clinical testing. Allele origin: unknown.
Comment: NM_002025.3(AFF2):c.2756_2758delCACinsAA(P919Qfs*27) is expected to be pathogenic in the context of fragile XE syndrome. This variant is predicted to lead to an abnormal or absent protein product due to the creation of a premature termination codon in AFF2, a gene where loss-of-function variants are known to be pathogenic. Please note: this variant was assessed in the context of healthy population screening.